The following is an entry in ClinVar:

ClinVar aggregate classification (germline): Uncertain significance (1 of 4 stars; one submission).

Conditions:
Spastic paraplegia. Identifiers: MedGen C0037772, HP:0001258.

Allele frequency attached by ClinVar (database versions not stated): gnomAD exomes below 0.00001; TOPMed below 0.00001; gnomAD 0.00001.
gnomAD v4.1: 2 of 1,614,116 alleles (0.00012%); highest among the groups gnomAD compares: East Asian, 0.0022%; no homozygotes.

Submission:

Labcorp Genetics (formerly Invitae), Labcorp
Classification: Uncertain significance for Spastic paraplegia. Last evaluated: 2021-11-05. Review status: criteria provided, single submitter. Criteria: Invitae Variant Classification Sherloc (09022015). Collection method: clinical testing. Allele origin: germline.
Comment: This sequence change replaces arginine, which is basic and polar, with histidine, which is basic and polar, at codon 798 of the KIF5A protein (p.Arg798His). This variant is not present in population databases (gnomAD no frequency). This variant has not been reported in the literature in individuals affected with KIF5A-related conditions. Advanced modeling of protein sequence and biophysical properties (such as structural, functional, and spatial information, amino acid conservation, physicochemical variation, residue mobility, and thermodynamic stability) performed at Invitae indicates that this missense variant is expected to disrupt KIF5A protein function. In summary, the available evidence is currently insufficient to determine the role of this variant in disease. Therefore, it has been classified as a Variant of Uncertain Significance.

NM_004984.4(KIF5A):c.2393G>A (p.Arg798His)

Gene: KIF5A (kinesin family member 5A; plus strand). Cytogenetic location: 12q13.3.
Variant type: single nucleotide variant.
Coding change: c.2393G>A on transcript NM_004984.4 (MANE Select); coding-DNA position 2393, G replaced by A.
Protein change: p.Arg798His; replaces arginine 798 with histidine.
Molecular consequence: missense variant.
Genome position (GRCh38, 1-based): chr12:57,578,040, G>A. VCF-style: chr12-57578040-G-A. GRCh37 (hg19) VCF-style: chr12-57971823-G-A.
Other names: c.2126G>A, p.Arg709His (NM_001354705.2); short protein forms R798H, R709H.
Identifiers: ClinVar variation 1485677 (VCV001485677.6), dbSNP rs940071825, ClinGen allele CA237789677.
Genomic context (GRCh38, chr12:57,578,040, plus strand): 5'-TATTCCCAATTTTTCATCATTCTTTCCAGGCCCGGGAACTCCAGACCCTCCACAACCTTC[G>A]CAAGCTGTTCGTTCAAGACGTCACGACTCGAGTCAAGAAAGTGAGTGCTGTCCTTGGGGT-3'
Protein context (NP_004975.2, residues 788-808): ARELQTLHNL[Arg798His]KLFVQDVTTR